The following is an entry in ClinVar:

ClinVar aggregate classification (germline): Uncertain significance (1 of 4 stars; one submission).

Allele frequency attached by ClinVar (database versions not stated): gnomAD exomes below 0.00001 and 0.00002; ExAC 0.00001; TOPMed 0.00001.
gnomAD v4.1: 6 of 1,609,768 alleles (0.00037%); highest among the groups gnomAD compares: Admixed American, 0.0084%; no homozygotes.

Submission:

Laboratory for Molecular Medicine, Mass General Brigham Personalized Medicine
Classification: Uncertain significance. Last evaluated: 2018-02-24. Review status: criteria provided, single submitter. Criteria: LMM Criteria. Collection method: clinical testing. Allele origin: germline. Observed: 1 variant allele.
Comment: The p.Thr1221Pro variant in STRC has not been previously reported in individuals with hearing loss, but has been identified in 5/33570 Latino chromosomes by the Genome Aggregation Database (gnomAD; dbSNP rs 780948412). Although this variant has been seen in the general population, its f requency is not high enough to rule out a pathogenic role. Computational predict ion tools and conservation analysis suggest that the p.Thr1221Pro variant does n ot provide strong evidence for or against pathogenicity. In summary, the clinica l significance of the p.Thr1221Pro variant is uncertain. ACMG/AMP Criteria appli ed: none.

NM_153700.2(STRC):c.3661A>C (p.Thr1221Pro)

Gene: STRC (stereocilin; minus strand). Cytogenetic location: 15q15.3.
Variant type: single nucleotide variant.
Coding change: c.3661A>C on transcript NM_153700.2 (MANE Select); coding-DNA position 3661, A replaced by C.
Protein change: p.Thr1221Pro; replaces threonine 1221 with proline.
Molecular consequence: missense variant.
Genome position (GRCh38, 1-based): chr15:43,608,100, T>G on the plus strand (A>C on the coding strand, the complement: STRC is on the minus strand). VCF-style: chr15-43608100-T-G. GRCh37 (hg19) VCF-style: chr15-43900298-T-G.
Other names: short protein forms T1221P.
Identifiers: ClinVar variation 666925 (VCV000666925.4), dbSNP rs780948412, ClinGen allele CA7528280.